The following is an entry in ClinVar:

NM_001084.5(PLOD3):c.298T>A (p.Tyr100Asn)

Gene: PLOD3 (procollagen-lysine,2-oxoglutarate 5-dioxygenase 3; minus strand). Cytogenetic location: 7q22.1.
Variant type: single nucleotide variant.
Coding change: c.298T>A on transcript NM_001084.5 (MANE Select); coding-DNA position 298, T replaced by A.
Protein change: p.Tyr100Asn; replaces tyrosine 100 with asparagine.
Molecular consequence: missense variant.
Genome position (GRCh38, 1-based): chr7:101,216,450, A>T on the plus strand (T>A on the coding strand, the complement: PLOD3 is on the minus strand). VCF-style: chr7-101216450-A-T. GRCh37 (hg19) VCF-style: chr7-100859731-A-T.
Other names: c.298T>A (NM_001084.4); short protein forms Y100N.
Identifiers: ClinVar variation 1359029 (VCV001359029.6), dbSNP rs375209437, ClinGen allele CA368626223.

ClinVar aggregate classification (germline): Uncertain significance. Review status: criteria provided, multiple submitters, no conflicts (2 of 4 stars). 2 submissions from 2 submitters: Uncertain significance (2). Last evaluated 2024-12-10.

Conditions:
Inborn genetic diseases. Identifiers: MedGen C0950123, MeSH D030342.

gnomAD v4.1: 4 of 1,613,938 alleles (0.00025%); highest among the groups gnomAD compares: Non-Finnish European, 0.00034%; no homozygotes.

Submissions (2):

Ambry Genetics
Classification: Uncertain significance for Inborn genetic diseases. Last evaluated: 2024-12-10. Review status: criteria provided, single submitter. Criteria: Ambry Variant Classification Scheme 2023. Collection method: clinical testing. Allele origin: germline.

Labcorp Genetics (formerly Invitae), Labcorp
Classification: Uncertain significance. Last evaluated: 2022-05-12. Review status: criteria provided, single submitter. Criteria: Invitae Variant Classification Sherloc (09022015). Collection method: clinical testing. Allele origin: germline.
Comment: This sequence change replaces tyrosine, which is neutral and polar, with asparagine, which is neutral and polar, at codon 100 of the PLOD3 protein (p.Tyr100Asn). This variant is present in population databases (no rsID available, gnomAD 0.0009%). This variant has not been reported in the literature in individuals affected with PLOD3-related conditions. Algorithms developed to predict the effect of missense changes on protein structure and function are either unavailable or do not agree on the potential impact of this missense change (SIFT: "Deleterious"; PolyPhen-2: "Benign"; Align-GVGD: "Class C15"). In summary, the available evidence is currently insufficient to determine the role of this variant in disease. Therefore, it has been classified as a Variant of Uncertain Significance.